The following is an entry in ClinVar:

ClinVar aggregate classification (germline): Uncertain significance (1 of 4 stars; one submission).

Conditions:
FGFR2-related craniosynostosis. Identifiers: MedGen CN231480.

Submission:

Labcorp Genetics (formerly Invitae), Labcorp
Classification: Uncertain significance for FGFR2-related craniosynostosis. Last evaluated: 2024-07-02. Review status: criteria provided, single submitter. Criteria: Invitae Variant Classification Sherloc (09022015). Collection method: clinical testing. Allele origin: germline.
Comment: This sequence change replaces cysteine, which is neutral and slightly polar, with tyrosine, which is neutral and polar, at codon 398 of the FGFR2 protein (p.Cys398Tyr). This variant is not present in population databases (gnomAD no frequency). This variant has not been reported in the literature in individuals affected with FGFR2-related conditions. Advanced modeling of protein sequence and biophysical properties (such as structural, functional, and spatial information, amino acid conservation, physicochemical variation, residue mobility, and thermodynamic stability) has been performed at Invitae for this missense variant, however the output from this modeling did not meet the statistical confidence thresholds required to predict the impact of this variant on FGFR2 protein function. In summary, the available evidence is currently insufficient to determine the role of this variant in disease. Therefore, it has been classified as a Variant of Uncertain Significance.

NM_000141.5(FGFR2):c.1193G>A (p.Cys398Tyr)

Gene: FGFR2 (fibroblast growth factor receptor 2; minus strand). Cytogenetic location: 10q26.13.
Variant type: single nucleotide variant.
Coding change: c.1193G>A on transcript NM_000141.5 (MANE Select); coding-DNA position 1193, G replaced by A.
Protein change: p.Cys398Tyr; replaces cysteine 398 with tyrosine.
Molecular consequence: missense variant. On other transcripts: non-coding transcript variant (1), intron variant (1).
Genome position (GRCh38, 1-based): chr10:121,515,211, C>T on the plus strand (G>A on the coding strand, the complement: FGFR2 is on the minus strand). VCF-style: chr10-121515211-C-T. GRCh37 (hg19) VCF-style: chr10-123274725-C-T.
Other names: c.1196G>A, p.Cys399Tyr (NM_001144913.1, NM_022970.4); c.857G>A, p.Cys286Tyr (NM_001144914.1); c.926G>A, p.Cys309Tyr (NM_001144915.2, NM_023029.3); c.848G>A, p.Cys283Tyr (NM_001144916.2, NM_001144918.2); c.929G>A, p.Cys310Tyr (NM_001144919.2); c.509G>A, p.Cys170Tyr (NM_001320654.2); c.1193G>A, p.Cys398Tyr (NM_001320658.2); c.939+4768G>A (NM_001144917.2); short protein forms C283Y, C399Y, C286Y, C310Y, C170Y, C398Y, C309Y.
Identifiers: ClinVar variation 3657865 (VCV003657865.2).